The following is an entry in ClinVar:

NM_001099922.3(ALG13):c.246T>G (p.Gly82=)

Gene: ALG13 (ALG13 UDP-N-acetylglucosaminyltransferase subunit; plus strand). Cytogenetic location: Xq23.
Variant type: single nucleotide variant.
Coding change: c.246T>G on transcript NM_001099922.3 (MANE Select); coding-DNA position 246, T replaced by G.
Protein change: p.Gly82=; no amino-acid change (glycine 82 retained).
Molecular consequence: synonymous variant. On other transcripts: missense variant (1), 5 prime UTR variant (9), non-coding transcript variant (3).
Genome position (GRCh38, 1-based): chrX:111,684,966, T>G. VCF-style: chrX-111684966-T-G. GRCh37 (hg19) VCF-style: chrX-110928194-T-G.
Other names: c.187T>G, p.Cys63Gly (NM_001039210.5); c.246T>G, p.Gly82= (NM_001168385.3, NM_001324292.2, NM_018466.6); c.-67T>G (NM_001257230.2, NM_001257234.2, NM_001257235.3 and 6 more transcripts); c.12T>G, p.Gly4= (NM_001257231.2, NM_001257241.3); c.252T>G, p.Gly84= (NM_001324290.2); short protein forms C63G.
Identifiers: ClinVar variation 1152251 (VCV001152251.10), dbSNP rs1934561313, ClinGen allele CA518053984.

ClinVar aggregate classification (germline): Conflicting classifications of pathogenicity. Review status: criteria provided, conflicting classifications (1 of 4 stars). 2 submissions from 2 submitters: Uncertain significance (1); Likely benign (1). Last evaluated 2024-11-05.

Conditions:
Developmental and epileptic encephalopathy, 36 (DEE36). Also called: Epileptic encephalopathy, early infantile, 36; Congenital disorder of glycosylation, type Is; ALG13-CDG. Identifiers: Orphanet 324422, MedGen C4317295, MONDO:0010472, OMIM 300884.

Allele frequency attached by ClinVar (database versions not stated): gnomAD exomes below 0.00001; TOPMed 0.00002; gnomAD 0.00004.
gnomAD v4.1: 5 of 1,203,746 alleles (0.00042%); highest among the groups gnomAD compares: Admixed American, 0.009%; no homozygotes.

Submissions (2):

Labcorp Genetics (formerly Invitae), Labcorp
Classification: Likely benign for Developmental and epileptic encephalopathy, 36. Last evaluated: 2024-11-05. Review status: criteria provided, single submitter. Criteria: Invitae Variant Classification Sherloc (09022015). Collection method: clinical testing. Allele origin: germline.

GeneDx
Classification: Uncertain significance. Last evaluated: 2021-05-11. Review status: criteria provided, single submitter. Criteria: GeneDx Variant Classification Process June 2021. Collection method: clinical testing. Allele origin: germline. Affected: yes.
Comment: Has not been previously published as pathogenic or benign to our knowledge; Not observed in large population cohorts (Lek et al., 2016); In-silico analysis, which includes splice predictors and evolutionary conservation, is inconclusive as to whether the variant alters gene splicing. In the absence of RNA/functional studies, the actual effect of this sequence change is unknown.